The following is an entry in ClinVar:

NM_001372.4(DNAH9):c.12218A>C (p.Asn4073Thr)

Gene: DNAH9 (dynein axonemal heavy chain 9; plus strand). Cytogenetic location: 17p12.
Variant type: single nucleotide variant.
Coding change: c.12218A>C on transcript NM_001372.4 (MANE Select); coding-DNA position 12218, A replaced by C.
Protein change: p.Asn4073Thr; replaces asparagine 4073 with threonine.
Molecular consequence: missense variant.
Genome position (GRCh38, 1-based): chr17:11,932,126, A>C. VCF-style: chr17-11932126-A-C. GRCh37 (hg19) VCF-style: chr17-11835443-A-C.
Other names: c.12218A>C (NM_001372.3); c.1154A>C, p.Asn385Thr (NM_004662.2); short protein forms N4073T, N385T.
Identifiers: ClinVar variation 2076389 (VCV002076389.21), dbSNP rs759034217, ClinGen allele CA8398089.

ClinVar aggregate classification (germline): Uncertain significance. Review status: criteria provided, multiple submitters, no conflicts (2 of 4 stars). 3 submissions from 3 submitters: Uncertain significance (3). Last evaluated 2024-06-01.

Conditions:
Inborn genetic diseases. Identifiers: MedGen C0950123, MeSH D030342.

Allele frequency attached by ClinVar (database versions not stated): gnomAD 0.00001; TOPMed 0.00001; gnomAD exomes 0.00002; ExAC 0.00007.
gnomAD v4.1: 31 of 1,614,050 alleles (0.0019%); highest among the groups gnomAD compares: East Asian, 0.02%; no homozygotes.

Submissions (3):

CeGaT Center for Human Genetics Tuebingen
Classification: Uncertain significance. Last evaluated: 2024-06-01. Review status: criteria provided, single submitter. Criteria: CeGaT Center For Human Genetics Tuebingen Variant Classification Criteria Version 2. Collection method: clinical testing. Allele origin: germline. Affected: yes. Observed: 1 variant allele.
Comment: DNAH9: PM2, BP4

Ambry Genetics
Classification: Uncertain significance for Inborn genetic diseases. Last evaluated: 2024-02-06. Review status: criteria provided, single submitter. Criteria: Ambry Variant Classification Scheme 2023. Collection method: clinical testing. Allele origin: germline.

Labcorp Genetics (formerly Invitae), Labcorp
Classification: Uncertain significance. Last evaluated: 2022-04-06. Review status: criteria provided, single submitter. Criteria: Invitae Variant Classification Sherloc (09022015). Collection method: clinical testing. Allele origin: germline.
Comment: This sequence change replaces asparagine, which is neutral and polar, with threonine, which is neutral and polar, at codon 4073 of the DNAH9 protein (p.Asn4073Thr). The frequency data for this variant in the population databases is considered unreliable, as metrics indicate poor data quality at this position in the gnomAD database. This variant has not been reported in the literature in individuals affected with DNAH9-related conditions. Algorithms developed to predict the effect of missense changes on protein structure and function are either unavailable or do not agree on the potential impact of this missense change (SIFT: "Deleterious"; PolyPhen-2: "Probably Damaging"; Align-GVGD: "Class C0"). In summary, the available evidence is currently insufficient to determine the role of this variant in disease. Therefore, it has been classified as a Variant of Uncertain Significance.